The following is an entry in ClinVar:

NM_005188.4(CBL):c.1558T>C (p.Ser520Pro)

Gene: CBL (Cbl proto-oncogene; plus strand). Cytogenetic location: 11q23.3.
Variant type: single nucleotide variant.
Coding change: c.1558T>C on transcript NM_005188.4 (MANE Select); coding-DNA position 1558, T replaced by C.
Protein change: p.Ser520Pro; replaces serine 520 with proline.
Molecular consequence: missense variant.
Genome position (GRCh38, 1-based): chr11:119,285,095, T>C. VCF-style: chr11-119285095-T-C. GRCh37 (hg19) VCF-style: chr11-119155805-T-C.
Other names: short protein forms S520P.
Identifiers: ClinVar variation 561351 (VCV000561351.8), dbSNP rs371686364, ClinGen allele CA6318550.

ClinVar aggregate classification (germline): Uncertain significance. Review status: criteria provided, multiple submitters, no conflicts (2 of 4 stars). 4 submissions from 4 submitters: Uncertain significance (4). Last evaluated 2025-11-03.

Conditions:
RASopathy. Also called: Noonan spectrum disorder; rasopathies. Identifiers: Orphanet 536391, MedGen C5555857, MONDO:0021060.
Cardiovascular phenotype. Identifiers: MedGen CN230736.

Allele frequency attached by ClinVar (database versions not stated): gnomAD exomes below 0.00001; ExAC 0.00001; gnomAD 0.00001.
gnomAD v4.1: 4 of 1,614,038 alleles (0.00025%); highest among the groups gnomAD compares: East Asian, 0.0022%; no homozygotes.

Submissions (4):

Labcorp Genetics (formerly Invitae), Labcorp
Classification: Uncertain significance for RASopathy. Last evaluated: 2025-11-03. Review status: criteria provided, single submitter. Criteria: Invitae Variant Classification Sherloc (09022015). Collection method: clinical testing. Allele origin: germline.
Comment: This sequence change replaces serine, which is neutral and polar, with proline, which is neutral and non-polar, at codon 520 of the CBL protein (p.Ser520Pro). This variant is not present in population databases (gnomAD no frequency). This variant has not been reported in the literature in individuals affected with CBL-related conditions. ClinVar contains an entry for this variant (Variation ID: 561351). Invitae Evidence Modeling of protein sequence and biophysical properties (such as structural, functional, and spatial information, amino acid conservation, physicochemical variation, residue mobility, and thermodynamic stability) indicates that this missense variant is not expected to disrupt CBL protein function with a negative predictive value of 95%. In summary, the available evidence is currently insufficient to determine the role of this variant in disease. Therefore, it has been classified as a Variant of Uncertain Significance.

Women's Health and Genetics/Laboratory Corporation of America, LabCorp
Classification: Uncertain significance. Last evaluated: 2025-05-09. Review status: criteria provided, single submitter. Criteria: LabCorp Variant Classification Summary - May 2015. Collection method: clinical testing. Allele origin: germline.
Comment: Variant summary: CBL c.1558T>C (p.Ser520Pro) results in a non-conservative amino acid change in the encoded protein sequence. Algorithms developed to predict the effect of missense changes on protein structure and function are either unavailable or do not agree on the potential impact of this missense change. The variant allele was found at a frequency of 4e-06 in 251480 control chromosomes. The available data on variant occurrences in the general population are insufficient to allow any conclusion about variant significance. To our knowledge, no occurrence of c.1558T>C in individuals affected with Noonan Syndrome-Like Disorder and no experimental evidence demonstrating its impact on protein function have been reported. ClinVar contains an entry for this variant (Variation ID: 561351). Based on the evidence outlined above, the variant was classified as uncertain significance.

Ambry Genetics
Classification: Uncertain significance for Cardiovascular phenotype. Last evaluated: 2024-01-01. Review status: criteria provided, single submitter. Criteria: Ambry Variant Classification Scheme 2023. Collection method: clinical testing. Allele origin: germline.
Comment: The p.S520P variant (also known as c.1558T>C), located in coding exon 10 of the CBL gene, results from a T to C substitution at nucleotide position 1558. The serine at codon 520 is replaced by proline, an amino acid with similar properties. This amino acid position is conserved. In addition, this alteration is predicted to be tolerated by in silico analysis. Since supporting evidence is limited at this time, the clinical significance of this alteration remains unclear.

GeneDx
Classification: Uncertain significance. Last evaluated: 2018-03-02. Review status: criteria provided, single submitter. Criteria: GeneDx Variant Classification (06012015). Collection method: clinical testing. Allele origin: germline. Affected: yes.
Comment: The S520P variant has not been published as a pathogenic variant, nor has it been reported as a benign variant to our knowledge. The S520P variant is not observed in large population cohorts (Lek et al., 2016). The S520P variant is a non-conservative amino acid substitution, which is likely to impact secondary protein structure as these residues differ in polarity, charge, size and/or other properties. In-silico analyses, including protein predictors and evolutionary conservation, support that this variant does not alter protein structure/function. In summary, based on the currently available information, it is unclear whether this variant is a pathogenic variant or a rare benign variant.